The following is an entry in ClinVar:

ClinVar aggregate classification (germline): Uncertain significance (1 of 4 stars; one submission).

Conditions:
Autosomal dominant nocturnal frontal lobe epilepsy 5. Also called: Epilepsy, nocturnal frontal lobe, 5; CILIARY DYSKINESIA, PRIMARY, 28, WITHOUT SITUS INVERSUS; CILIARY DYSKINESIA, PRIMARY, 28, WITH SITUS INVERSUS; KCNT1-Related Epilepsy. Identifiers: Orphanet 98784, MedGen C3554306, MONDO:0014002, OMIM 615005.
Developmental and epileptic encephalopathy, 14 (DEE14). Also called: Early infantile epileptic encephalopathy 14. Identifiers: Orphanet 293181, MedGen C3554195, MONDO:0013989, OMIM 614959.

Allele frequency attached by ClinVar (database versions not stated): TOPMed below 0.00001.

Submission:

Labcorp Genetics (formerly Invitae), Labcorp
Classification: Uncertain significance for Autosomal dominant nocturnal frontal lobe epilepsy 5; Developmental and epileptic encephalopathy, 14. Last evaluated: 2017-07-10. Review status: criteria provided, single submitter. Criteria: Invitae Variant Classification Sherloc (09022015). Collection method: clinical testing. Allele origin: germline.
Comment: This variant has not been reported in the literature in individuals with KCNT1-related disease. This variant is not present in population databases (ExAC no frequency). This sequence change falls in intron 16 of the KCNT1 gene. It does not directly change the encoded amino acid sequence of the KCNT1 protein, but it affects a nucleotide within the consensus splice site of the intron. Nucleotide substitutions within the consensus splice site are relatively common causes of aberrant splicing (PMID: 17576681, 9536098). Algorithms developed to predict the effect of sequence changes on RNA splicing suggest that this variant may disrupt the consensus splice site, but this prediction has not been confirmed by published transcriptional studies. In summary, the available evidence is currently insufficient to determine the role of this variant in disease. Therefore, it has been classified as a Variant of Uncertain Significance.

Literature cited by the submitters: PubMed 17576681; PubMed 9536098.

NM_020822.3(KCNT1):c.1619+6T>A

Gene: KCNT1 (potassium sodium-activated channel subfamily T member 1; plus strand). Cytogenetic location: 9q34.3.
Variant type: single nucleotide variant.
Coding change: c.1619+6T>A on transcript NM_020822.3 (MANE Select); 6 bases into the intron after coding-DNA position 1619, T replaced by A.
Molecular consequence: intron variant.
Genome position (GRCh38, 1-based): chr9:135,770,061, T>A. VCF-style: chr9-135770061-T-A. GRCh37 (hg19) VCF-style: chr9-138661907-T-A.
Other names: c.1484+6T>A (NM_001272003.2).
Identifiers: ClinVar variation 473360 (VCV000473360.9), dbSNP rs1328836350, ClinGen allele CA658657945.
Genomic context (GRCh38, chr9:135,770,061, plus strand): 5'-TCTGCCCGGCGACCTCCACCCTCATCACCCTGCTGGTGCACACGTCCCGCGGCCAGTGAG[T>A]GCCCCGTGCCCCGGGGGACCGACCTCCATGGCGGGGCCGGCGCAGGGAGACAACGCAGGG-3'